The following is an entry in ClinVar:

ClinVar aggregate classification (germline): Uncertain significance (1 of 4 stars; one submission).

gnomAD v4.1: 25 of 1,612,618 alleles (0.0016%); highest among the groups gnomAD compares: Non-Finnish European, 0.002%; no homozygotes.

Submission:

GeneDx
Classification: Uncertain significance. Last evaluated: 2026-09-23. Review status: criteria provided, single submitter. Criteria: GeneDx Variant Classification Process June 2021. Collection method: clinical testing. Allele origin: germline.
Comment: Not observed at significant frequency in large population cohorts (gnomAD); In silico analysis supports that this missense variant has a deleterious effect on protein structure/function; Has not been previously published as pathogenic or benign to our knowledge

NM_001163809.2(WDR81):c.4822C>G (p.Arg1608Gly)

Gene: WDR81 (WD repeat domain 81; plus strand). Cytogenetic location: 17p13.3.
Variant type: single nucleotide variant.
Coding change: c.4822C>G on transcript NM_001163809.2 (MANE Select); coding-DNA position 4822, C replaced by G.
Protein change: p.Arg1608Gly; replaces arginine 1608 with glycine.
Molecular consequence: missense variant.
Genome position (GRCh38, 1-based): chr17:1,733,859, C>G. VCF-style: chr17-1733859-C-G. GRCh37 (hg19) VCF-style: chr17-1637153-C-G.
Other names: c.1213C>G, p.Arg405Gly (NM_001163673.2); c.1141C>G, p.Arg381Gly (NM_001163811.2); c.1669C>G, p.Arg557Gly (NM_152348.4); short protein forms R1608G, R381G, R405G, R557G.
Identifiers: ClinVar variation 4057043 (VCV004057043.2).